The following is an entry in ClinVar:

NM_021922.3(FANCE):c.1594A>C (p.Lys532Gln)

Gene: FANCE (FA complementation group E; plus strand). Cytogenetic location: 6p21.31.
Variant type: single nucleotide variant.
Coding change: c.1594A>C on transcript NM_021922.3 (MANE Select); coding-DNA position 1594, A replaced by C.
Protein change: p.Lys532Gln; replaces lysine 532 with glutamine.
Molecular consequence: missense variant.
Genome position (GRCh38, 1-based): chr6:35,466,328, A>C. VCF-style: chr6-35466328-A-C. GRCh37 (hg19) VCF-style: chr6-35434105-A-C.
Other names: p.Lys532Gln; short protein forms K532Q.
Identifiers: ClinVar variation 1351718 (VCV001351718.9), dbSNP rs749697038, ClinGen allele CA3771762.
Genomic context (GRCh38, chr6:35,466,328, plus strand): 5'-CTGGCTATGGCCCTAGAACCTAACACCACCTTCCTGAGGAAGTCCCTGAAGGCCGCCTTG[A>C]AACATTTGGGCCCCTGACCATCCACCAAGGGACCACCCTCTTGGTGCTCCATCACCAGCT-3'
Protein context (NP_068741.1, residues 522-536): FLRKSLKAAL[Lys532Gln]HLGP

ClinVar aggregate classification (germline): Uncertain significance. Review status: criteria provided, multiple submitters, no conflicts (2 of 4 stars). 5 submissions from 5 submitters: Uncertain significance (5). Last evaluated 2025-09-22.

Conditions:
Fanconi anemia complementation group E (FANCE). Also called: FANCE-Related Fanconi Anemia. Identifiers: Orphanet 84, MedGen C3160739, MONDO:0010953, OMIM 600901.
Fanconi anemia (FA). Also called: Fanconi's anemia. Identifiers: Orphanet 84, MedGen C0015625, MeSH D005199, MONDO:0019391.

Allele frequency attached by ClinVar (database versions not stated): ExAC 0.00001; gnomAD 0.00001 and 0.00002; gnomAD exomes 0.00001; TOPMed 0.00002.
gnomAD v4.1: 61 of 1,612,982 alleles (0.0038%); highest among the groups gnomAD compares: Non-Finnish European, 0.0048%; no homozygotes.

Submissions (5):

Mayo Clinic Laboratories, Mayo Clinic
Classification: Uncertain significance. Last evaluated: 2025-09-22. Review status: criteria provided, single submitter. Criteria: ACMG Guidelines, 2015. Collection method: clinical testing. Allele origin: germline. Observed: 1 variant allele.
Comment: BP4_moderate

Fulgent Genetics
Classification: Uncertain significance for Fanconi anemia complementation group E. Last evaluated: 2024-04-10. Review status: criteria provided, single submitter. Criteria: ACMG Guidelines, 2015. Collection method: clinical testing. Allele origin: germline.

Sema4
Classification: Uncertain significance for Fanconi anemia. Last evaluated: 2021-12-02. Review status: criteria provided, single submitter. Criteria: Sema4 Curation Guidelines. Collection method: curation. Allele origin: germline.
Comment: To the best of our knowledge, the FANCE c.1594A>C (p.K532Q) variant has not been reported in individuals with FANCE-related disease. This variant was observed in 3/113766 chromosomes in the European (non-Finnish) subpopulation, according to the Genome Aggregation Database (PMID: 32461654). This variant has not been reported in ClinVar. In silico tools suggest the impact of the variant on protein function is benign, though these predictions have not been confirmed by functional studies. There is no indication that this variant causes disease, but the evidence is insufficient currently to prove that conclusively. Thus, the clinical significance of this variant is currently uncertain.

Revvity Omics, Revvity
Classification: Uncertain significance for Fanconi anemia complementation group E. Last evaluated: 2021-11-18. Review status: criteria provided, single submitter. Criteria: ACMG Guidelines, 2015. Collection method: clinical testing. Allele origin: germline.

Labcorp Genetics (formerly Invitae), Labcorp
Classification: Uncertain significance for Fanconi anemia complementation group E. Last evaluated: 2021-10-13. Review status: criteria provided, single submitter. Criteria: Invitae Variant Classification Sherloc (09022015). Collection method: clinical testing. Allele origin: germline.
Comment: This sequence change replaces lysine with glutamine at codon 532 of the FANCE protein (p.Lys532Gln). The lysine residue is moderately conserved and there is a small physicochemical difference between lysine and glutamine. This variant is present in population databases (rs749697038, ExAC 0.001%). This variant has not been reported in the literature in individuals with FANCE-related conditions. Algorithms developed to predict the effect of missense changes on protein structure and function are either unavailable or do not agree on the potential impact of this missense change (SIFT: "Deleterious"; PolyPhen-2: "Benign"; Align-GVGD: "Class C0"). In summary, the available evidence is currently insufficient to determine the role of this variant in disease. Therefore, it has been classified as a Variant of Uncertain Significance.